The following is an entry in ClinVar:

NM_001365536.1(SCN9A):c.641G>T (p.Arg214Leu)

Gene: SCN9A (sodium voltage-gated channel alpha subunit 9; minus strand). Cytogenetic location: 2q24.3.
Variant type: single nucleotide variant.
Coding change: c.641G>T on transcript NM_001365536.1 (MANE Select); coding-DNA position 641, G replaced by T.
Protein change: p.Arg214Leu; replaces arginine 214 with leucine.
Molecular consequence: missense variant.
Genome position (GRCh38, 1-based): chr2:166,304,285, C>A on the plus strand (G>T on the coding strand, the complement: SCN9A is on the minus strand). VCF-style: chr2-166304285-C-A. GRCh37 (hg19) VCF-style: chr2-167160795-C-A.
Other names: c.641G>T, p.Arg214Leu (NM_002977.4); short protein forms R214L.
Identifiers: ClinVar variation 2952015 (VCV002952015.3), dbSNP rs201741634, ClinGen allele CA349094232.
Genomic context (GRCh38, chr2:166,304,285, plus strand): 5'-AATTACTTCTTACCTGGGATTACAGAAATAGTTTTCAAAGCTCTCAATACTCTGAAAGTT[C>A]GAAGAGCTGAAACATTGCCTAGGTTTACAAATTCTGTTAAATACCTGTAGAATTAAATCA-3'
Protein context (NP_001352465.1, residues 204-224): FVNLGNVSAL[Arg214Leu]TFRVLRALKT

ClinVar aggregate classification (germline): Uncertain significance (1 of 4 stars; one submission).

Conditions:
Neuropathy, hereditary sensory and autonomic, type 2A (HSAN2A). Also called: ACROOSTEOLYSIS, GIACCAI TYPE; ACROOSTEOLYSIS, NEUROGENIC; MORVAN DISEASE; NEUROPATHY, CONGENITAL SENSORY; NEUROPATHY, HEREDITARY SENSORY RADICULAR, AUTOSOMAL RECESSIVE; NEUROPATHY, HEREDITARY SENSORY, TYPE IIA. Identifiers: Orphanet 970, MedGen C2752089, MONDO:0024309, OMIM 201300.
Generalized epilepsy with febrile seizures plus, type 7 (GEFSP7). Also called: GEFS+, TYPE 7. Identifiers: Orphanet 36387, MedGen C2751778, MONDO:0013470, OMIM 613863.

Submission:

Labcorp Genetics (formerly Invitae), Labcorp
Classification: Uncertain significance for Neuropathy, hereditary sensory and autonomic, type 2A; Generalized epilepsy with febrile seizures plus, type 7. Last evaluated: 2024-10-02. Review status: criteria provided, single submitter. Criteria: Invitae Variant Classification Sherloc (09022015). Collection method: clinical testing. Allele origin: germline.
Comment: This sequence change replaces arginine, which is basic and polar, with leucine, which is neutral and non-polar, at codon 214 of the SCN9A protein (p.Arg214Leu). This variant is not present in population databases (gnomAD no frequency). This variant has not been reported in the literature in individuals affected with SCN9A-related conditions. Invitae Evidence Modeling of protein sequence and biophysical properties (such as structural, functional, and spatial information, amino acid conservation, physicochemical variation, residue mobility, and thermodynamic stability) has been performed for this missense variant. However, the output from this modeling did not meet the statistical confidence thresholds required to predict the impact of this variant on SCN9A protein function. Algorithms developed to predict the effect of sequence changes on RNA splicing suggest that this variant may disrupt the consensus splice site. In summary, the available evidence is currently insufficient to determine the role of this variant in disease. Therefore, it has been classified as a Variant of Uncertain Significance.